The following is an entry in ClinVar:

NM_006206.6(PDGFRA):c.899A>C (p.Lys300Thr)

Gene: PDGFRA (platelet derived growth factor receptor alpha; plus strand). Cytogenetic location: 4q12.
Variant type: single nucleotide variant.
Coding change: c.899A>C on transcript NM_006206.6 (MANE Select); coding-DNA position 899, A replaced by C.
Protein change: p.Lys300Thr; replaces lysine 300 with threonine.
Molecular consequence: missense variant.
Genome position (GRCh38, 1-based): chr4:54,267,428, A>C. VCF-style: chr4-54267428-A-C. GRCh37 (hg19) VCF-style: chr4-55133595-A-C.
Other names: c.899A>C, p.Lys300Thr (NM_001347827.2, NM_001347829.2); c.974A>C, p.Lys325Thr (NM_001347828.2); c.938A>C, p.Lys313Thr (NM_001347830.2); c.899A>C (NM_006206.5); short protein forms K300T, K313T, K325T.
Identifiers: ClinVar variation 240366 (VCV000240366.21), dbSNP rs368648130, ClinGen allele CA2922415.

ClinVar aggregate classification (germline): Conflicting classifications of pathogenicity. Review status: criteria provided, conflicting classifications (1 of 4 stars). 7 submissions from 7 submitters: Uncertain significance (5); Benign (1); Likely benign (1). Last evaluated 2026-08-05.

Conditions:
Polyps, multiple and recurrent inflammatory fibroid, gastrointestinal. Identifiers: MedGen C5193005, MONDO:0008285, OMIM 175510.
PDGFRA-related disorder. Also called: PDGFRA-related condition.
Hereditary cancer-predisposing syndrome. Also called: Neoplastic Syndromes, Hereditary; Hereditary neoplastic syndrome; Hereditary Cancer Syndrome; Tumor predisposition. Identifiers: Orphanet 140162, MedGen C0027672, MeSH D009386, MONDO:0015356.
Gastrointestinal stromal tumor. Also called: Gastrointestinal stromal tumor, somatic; Gastrointestinal stroma tumor. Identifiers: Orphanet 44890, MedGen C0238198, MeSH D046152, MONDO:0011719, OMIM 606764, HP:0100723.

Allele frequency attached by ClinVar (database versions not stated): ExAC 0.00003; gnomAD 0.00003 and 0.00005; gnomAD exomes 0.00004 and 0.00005; TOPMed 0.00004; ESP Exome Variant Server 0.00015; 1000 Genomes Project 0.00020; 1000 Genomes Project 30x 0.00031.
gnomAD v4.1: 72 of 1,614,214 alleles (0.0045%); highest among the groups gnomAD compares: Middle Eastern, 0.049%; no homozygotes.

Submissions (7):

PreventionGenetics, part of Exact Sciences
Classification: Uncertain significance for PDGFRA-related condition. Last evaluated: 2026-08-05. Review status: criteria provided, single submitter. Criteria: ACMG Guidelines, 2015. Collection method: clinical testing. Allele origin: germline.
Comment: The PDGFRA c.899A>C variant is predicted to result in the amino acid substitution p.Lys300Thr. This variant was reported in an individual with suspected Lynch syndrome (Kayser et al. 2018. PubMed ID: 29987844). This variant is reported in 0.0070% of alleles in individuals of European (Non-Finnish) descent in gnomAD. This variant has conflicting interpretations in ClinVar, ranging from benign to uncertain significance (Variation ID: 240366). At this time, the clinical significance of this variant is uncertain due to the absence of conclusive functional and genetic evidence.

Myriad Genetics, Inc.
Classification: Likely benign for Polyps, multiple and recurrent inflammatory fibroid, gastrointestinal. Last evaluated: 2026-06-12. Review status: criteria provided, single submitter. Criteria: Myriad Autosomal Dominant, Autosomal Recessive and X-Linked Classification Criteria (2023). Collection method: clinical testing. Allele origin: unknown.
Comment: This variant is considered likely benign. This variant has been observed at a population frequency that is significantly greater than expected given the associated disease prevalence and penetrance.

Labcorp Genetics (formerly Invitae), Labcorp
Classification: Uncertain significance for Gastrointestinal stromal tumor. Last evaluated: 2026-01-19. Review status: criteria provided, single submitter. Criteria: Invitae Variant Classification Sherloc (09022015). Collection method: clinical testing. Allele origin: germline.
Comment: This sequence change replaces lysine, which is basic and polar, with threonine, which is neutral and polar, at codon 300 of the PDGFRA protein (p.Lys300Thr). This variant is present in population databases (rs368648130, gnomAD 0.008%). This missense change has been observed in individual(s) with clinical features of Lynch syndrome (PMID: 29987844). ClinVar contains an entry for this variant (Variation ID: 240366). Invitae Evidence Modeling of protein sequence and biophysical properties (such as structural, functional, and spatial information, amino acid conservation, physicochemical variation, residue mobility, and thermodynamic stability) indicates that this missense variant is not expected to disrupt PDGFRA protein function with a negative predictive value of 80%. In summary, the available evidence is currently insufficient to determine the role of this variant in disease. Therefore, it has been classified as a Variant of Uncertain Significance.

Molecular Pathology, Peter Maccallum Cancer Centre
Classification: Uncertain significance for Hereditary cancer-predisposing syndrome. Last evaluated: 2024-12-09. Review status: criteria provided, single submitter. Criteria: ACMG Guidelines, 2015. Collection method: clinical testing. Allele origin: germline.

St. Jude Molecular Pathology, St. Jude Children's Research Hospital
Classification: Uncertain significance for Polyps, multiple and recurrent inflammatory fibroid, gastrointestinal. Last evaluated: 2024-09-05. Review status: criteria provided, single submitter. Criteria: St. Jude Assertion Criteria 2020. Collection method: clinical testing. Allele origin: germline.
Comment: The PDGFRA c.899A>C (p.Lys300Thr) missense change has a maximum subpopulation frequency of 0.007% in gnomAD v2.1.1. The in silico tool REVEL predicts a benign effect on protein function, but this prediction has not been confirmed by functional studies. This variant has not been reported in individuals with PDGFRA-related conditions. In summary, the evidence currently available is insufficient to determine the clinical significance of this variant. It has therefore been classified as of uncertain significance.

Ambry Genetics
Classification: Benign for Hereditary cancer-predisposing syndrome. Last evaluated: 2024-08-20. Review status: criteria provided, single submitter. Criteria: Ambry Variant Classification Scheme 2023. Collection method: clinical testing. Allele origin: germline.

GeneDx
Classification: Uncertain significance. Last evaluated: 2024-02-27. Review status: criteria provided, single submitter. Criteria: GeneDx Variant Classification Process June 2021. Collection method: clinical testing. Allele origin: germline.
Comment: In silico analysis supports that this missense variant does not alter protein structure/function; Observed in an individual with a personal and family history of colorectal cancer (PMID: 29987844); This variant is associated with the following publications: (PMID: 29987844)

Literature cited by the submitters: PubMed 29987844 (cited by Labcorp Genetics (formerly Invitae), Labcorp).